The following is an entry in ClinVar:

NM_000593.6(TAP1):c.1789G>T (p.Glu597Ter)

Gene: TAP1 (transporter 1, ATP binding cassette subfamily B member; minus strand). Cytogenetic location: 6p21.32.
Variant type: single nucleotide variant.
Coding change: c.1789G>T on transcript NM_000593.6 (MANE Select); coding-DNA position 1789, G replaced by T.
Protein change: p.Glu597Ter; replaces glutamic acid 597 with a stop codon.
Molecular consequence: nonsense.
Genome position (GRCh38, 1-based): chr6:32,847,627, C>A on the plus strand (G>T on the coding strand, the complement: TAP1 is on the minus strand). VCF-style: chr6-32847627-C-A. GRCh37 (hg19) VCF-style: chr6-32815404-C-A.
Other names: c.1186G>T, p.Glu396Ter (NM_001292022.2); short protein forms E597*, E396*.
Identifiers: ClinVar variation 2743049 (VCV002743049.3), dbSNP rs2483139752, ClinGen allele CA363591222.

ClinVar aggregate classification (germline): Pathogenic (1 of 4 stars; one submission).

Conditions:
MHC class I deficiency. Identifiers: Orphanet 34592, MedGen C6024714, MONDO:0011476.

Submission:

Labcorp Genetics (formerly Invitae), Labcorp
Classification: Pathogenic for MHC class I deficiency 1. Last evaluated: 2023-07-30. Review status: criteria provided, single submitter. Criteria: Invitae Variant Classification Sherloc (09022015). Collection method: clinical testing. Allele origin: germline.
Comment: For these reasons, this variant has been classified as Pathogenic. This variant has not been reported in the literature in individuals affected with TAP1-related conditions. This variant is not present in population databases (gnomAD no frequency). This sequence change creates a premature translational stop signal (p.Glu657*) in the TAP1 gene. It is expected to result in an absent or disrupted protein product. Loss-of-function variants in TAP1 are known to be pathogenic (PMID: 10074494, 10074495).

Literature cited by the submitters: PubMed 10074494; PubMed 10074495.